The following is an entry in ClinVar:

ClinVar aggregate classification (germline): Conflicting classifications of pathogenicity. Review status: criteria provided, conflicting classifications (1 of 4 stars). 2 submissions from 2 submitters: Uncertain significance (1); Likely benign (1). Last evaluated 2026-07-01.

Conditions:
Infantile neuroaxonal dystrophy (NBIA2A). Also called: Infantile neuroaxonal dystrophy 1; NEURODEGENERATION WITH BRAIN IRON ACCUMULATION 2A; SEITELBERGER DISEASE. Identifiers: Orphanet 35069, MedGen C0270724, MONDO:0024457, OMIM 256600.

Allele frequency attached by ClinVar (database versions not stated): gnomAD 0.00001; gnomAD exomes 0.00001 and 0.00002; TOPMed 0.00001; ExAC 0.00002; 1000 Genomes Project 0.00020; 1000 Genomes Project 30x 0.00031.
gnomAD v4.1: 12 of 1,613,632 alleles (0.00074%); highest among the groups gnomAD compares: South Asian, 0.0077%; no homozygotes.

Submissions (2):

CeGaT Center for Human Genetics Tuebingen
Classification: Likely benign. Last evaluated: 2026-07-01. Review status: criteria provided, single submitter. Criteria: CeGaT Center For Human Genetics Tuebingen Variant Classification Criteria Version 2. Collection method: clinical testing. Allele origin: germline. Affected: yes. Observed: 1 variant allele.
Comment: PLA2G6: BP4

Labcorp Genetics (formerly Invitae), Labcorp
Classification: Uncertain significance for Infantile neuroaxonal dystrophy. Last evaluated: 2021-08-30. Review status: criteria provided, single submitter. Criteria: Invitae Variant Classification Sherloc (09022015). Collection method: clinical testing. Allele origin: germline.
Comment: This sequence change replaces arginine with glutamine at codon 461 of the PLA2G6 protein (p.Arg461Gln). The arginine residue is moderately conserved and there is a small physicochemical difference between arginine and glutamine. This variant is present in population databases (rs541466301, ExAC 0.01%). This variant has not been reported in the literature in individuals affected with PLA2G6-related conditions. Algorithms developed to predict the effect of missense changes on protein structure and function (SIFT, PolyPhen-2, Align-GVGD) all suggest that this variant is likely to be tolerated. Algorithms developed to predict the effect of sequence changes on RNA splicing suggest that this variant may create or strengthen a splice site. In summary, the available evidence is currently insufficient to determine the role of this variant in disease. Therefore, it has been classified as a Variant of Uncertain Significance.

NM_003560.4(PLA2G6):c.1382G>A (p.Arg461Gln)

Gene: PLA2G6 (phospholipase A2 group VI; minus strand). Cytogenetic location: 22q13.1.
Variant type: single nucleotide variant.
Coding change: c.1382G>A on transcript NM_003560.4 (MANE Select); coding-DNA position 1382, G replaced by A.
Protein change: p.Arg461Gln; replaces arginine 461 with glutamine.
Molecular consequence: missense variant.
Genome position (GRCh38, 1-based): chr22:38,126,416, C>T on the plus strand (G>A on the coding strand, the complement: PLA2G6 is on the minus strand). VCF-style: chr22-38126416-C-T. GRCh37 (hg19) VCF-style: chr22-38522423-C-T.
Other names: c.1220G>A, p.Arg407Gln (NM_001004426.3, NM_001199562.3, NM_001349865.2 and 1 more transcripts); c.1382G>A, p.Arg461Gln (NM_001349864.2); c.848G>A, p.Arg283Gln (NM_001349867.2); c.704G>A, p.Arg235Gln (NM_001349868.2); c.686G>A, p.Arg229Gln (NM_001349869.2); short protein forms R235Q, R283Q, R229Q, R407Q, R461Q.
Identifiers: ClinVar variation 1359037 (VCV001359037.6), dbSNP rs541466301, ClinGen allele CA10230887.
Genomic context (GRCh38, chr22:38,126,416, plus strand): 5'-TCTCGATCCACTTACGTCCGCTTCTCGTCCCTCATGGAGCCCAGGATGAACGCTGGCTTC[C>T]GGGCCCGTGAGATGTGCATGAGATCCTGTAGTTCTGTGAGGCACAGAGCAGGGCATGCTG-3'
Protein context (NP_003551.2, residues 451-471): LQDLMHISRA[Arg461Gln]KPAFILGSMR